The following is an entry in ClinVar:

ClinVar aggregate classification (germline): Uncertain significance (1 of 4 stars; one submission).

Conditions:
NRP1-related disorder. Also called: NRP1-related condition.

Submissions (2):

PreventionGenetics, part of Exact Sciences
Classification: Uncertain significance for NRP1-related condition. Last evaluated: 2025-02-17. Review status: criteria provided, single submitter. Criteria: ACMG Guidelines, 2015. Collection method: clinical testing. Allele origin: germline.
Comment: The NRP1 c.536_537delinsCC variant is predicted to result in an in-frame deletion and insertion. To our knowledge, this variant has not been reported in the literature or in a large population database (gnomAD), indicating this variant is rare. At this time, the clinical significance of this variant is uncertain due to the absence of conclusive functional and genetic evidence.

Dr. Peter K. Rogan Lab, Western University
No classification provided (evidence only). Condition: Thyroid cancer, nonmedullary, 1. Review status: no classification provided. Collection method: in vitro. Allele origin: not applicable. Functional consequence: retained intron. Not counted in ClinVar's aggregate classification.

NM_003873.7(NRP1):c.537G>C (p.Val179=)

Genes: NRP1 (neuropilin 1; minus strand), LOC126860910 (P300/CBP strongly-dependent group 1 enhancer GRCh37_chr10:33552654-33553853; plus strand). Cytogenetic location: 10p11.22.
Variant type: single nucleotide variant.
Coding change: c.537G>C on transcript NM_003873.7 (MANE Select); coding-DNA position 537, G replaced by C.
Protein change: p.Val179=; no amino-acid change (valine 179 retained).
Molecular consequence: synonymous variant. On other transcripts: non-coding transcript variant (1).
Genome position (GRCh38, 1-based): chr10:33,263,767, C>G on the plus strand (G>C on the coding strand, the complement: NRP1 is on the minus strand). VCF-style: chr10-33263767-C-G. GRCh37 (hg19) VCF-style: chr10-33552695-C-G.
Other names: NC_000010.10:g.33552695C>G; c.537G>C, p.Val179= (NM_001024628.3, NM_001024629.3, NM_001244972.2 and 2 more transcripts); c.536_537delinsCC (NM_003873.5).
Identifiers: ClinVar variation 4362782 (VCV004362782.2).